The following is an entry in ClinVar:

ClinVar aggregate classification (germline): Conflicting classifications of pathogenicity. Review status: criteria provided, conflicting classifications (1 of 4 stars). 2 submissions from 2 submitters: Uncertain significance (1); Likely benign (1). Last evaluated 2025-02-03.

Conditions:
P2RX2-related disorder. Also called: P2RX2-related condition.

Allele frequency attached by ClinVar (database versions not stated): gnomAD exomes 0.00001; ExAC 0.00003; gnomAD 0.00004; TOPMed 0.00005.
gnomAD v4.1: 26 of 1,613,618 alleles (0.0016%); highest among the groups gnomAD compares: East Asian, 0.047%; no homozygotes.

Submissions (2):

PreventionGenetics, part of Exact Sciences
Classification: Likely benign for P2RX2-related condition. Last evaluated: 2025-02-03. Review status: criteria provided, single submitter. Criteria: ACMG Guidelines, 2015. Collection method: clinical testing. Allele origin: germline.
Comment: This variant is classified as likely benign based on ACMG/AMP sequence variant interpretation guidelines (Richards et al. 2015 PMID: 25741868, with internal and published modifications).

Ambry Genetics
Classification: Uncertain significance. Last evaluated: 2023-12-12. Review status: criteria provided, single submitter. Criteria: Ambry Variant Classification Scheme 2023. Collection method: clinical testing. Allele origin: germline.

NM_170682.4(P2RX2):c.1136A>G (p.Asp379Gly)

Gene: P2RX2 (purinergic receptor P2X 2; plus strand). Cytogenetic location: 12q24.33.
Variant type: single nucleotide variant.
Coding change: c.1136A>G on transcript NM_170682.4 (MANE Select); coding-DNA position 1136, A replaced by G.
Protein change: p.Asp379Gly; replaces aspartic acid 379 with glycine.
Molecular consequence: missense variant. On other transcripts: 3 prime UTR variant (1).
Genome position (GRCh38, 1-based): chr12:132,621,692, A>G. VCF-style: chr12-132621692-A-G. GRCh37 (hg19) VCF-style: chr12-133198278-A-G.
Other names: c.1136A>G (NM_174873.2); c.1034A>G, p.Asp345Gly (NM_001282164.2); c.*183A>G (NM_001282165.2); c.920A>G, p.Asp307Gly (NM_012226.5); c.1064A>G, p.Asp355Gly (NM_016318.4); c.1214A>G, p.Asp405Gly (NM_170683.4); c.860A>G, p.Asp287Gly (NM_174872.3); c.1136A>G, p.Asp379Gly (NM_174873.3); short protein forms D307G, D345G, D355G, D379G, D287G, D405G.
Identifiers: ClinVar variation 3207614 (VCV003207614.2), dbSNP rs764001111, ClinGen allele CA6891839.